The following is an entry in ClinVar:

NM_001384732.1(CPLANE1):c.8175A>C (p.Ala2725=)

Gene: CPLANE1 (ciliogenesis and planar polarity effector complex subunit 1; minus strand). Cytogenetic location: 5p13.2.
Variant type: single nucleotide variant.
Coding change: c.8175A>C on transcript NM_001384732.1 (MANE Select); coding-DNA position 8175, A replaced by C.
Protein change: p.Ala2725=; no amino-acid change (alanine 2725 retained).
Molecular consequence: synonymous variant.
Genome position (GRCh38, 1-based): chr5:37,153,938, T>G on the plus strand (A>C on the coding strand, the complement: CPLANE1 is on the minus strand). VCF-style: chr5-37153938-T-G. GRCh37 (hg19) VCF-style: chr5-37154040-T-G.
Other names: c.8013A>C, p.Ala2671= (NM_023073.4).
Identifiers: ClinVar variation 261676 (VCV000261676.18), dbSNP rs201122718, ClinGen allele CA3237849.

ClinVar aggregate classification (germline): Conflicting classifications of pathogenicity. Review status: criteria provided, conflicting classifications (1 of 4 stars). 7 submissions from 7 submitters: Uncertain significance (1); Benign (1); Likely benign (3). 2 of the submissions do not count toward it. Last evaluated 2026-01-08.

Conditions:
Joubert syndrome 17 (JBTS17). Identifiers: Orphanet 475, MedGen C3553264, MONDO:0013824, OMIM 614615.

Allele frequency attached by ClinVar (database versions not stated): ESP Exome Variant Server 0.00008; 1000 Genomes Project 30x 0.00016; 1000 Genomes Project 0.00020; ExAC 0.00031; gnomAD 0.00040 and 0.00042; gnomAD exomes 0.00049; TOPMed 0.00049.
gnomAD v4.1: 452 of 1,614,132 alleles (0.028%); highest among the groups gnomAD compares: Middle Eastern, 0.87%; 2 homozygotes.

Submissions (7):

Labcorp Genetics (formerly Invitae), Labcorp
Classification: Benign. Last evaluated: 2026-01-08. Review status: criteria provided, single submitter. Criteria: Invitae Variant Classification Sherloc (09022015). Collection method: clinical testing. Allele origin: germline.

Blueprint Genetics
Classification: Likely benign. Last evaluated: 2024-11-01. Review status: criteria provided, single submitter. Criteria: ACMG Guidelines, 2015. Collection method: clinical testing. Allele origin: germline.

Illumina Laboratory Services, Illumina
Classification: Uncertain significance for Joubert syndrome 17. Last evaluated: 2018-01-13. Review status: criteria provided, single submitter. Criteria: ICSL Variant Classification Criteria 13 December 2019. Collection method: clinical testing. Allele origin: germline.

GeneDx
Classification: Likely benign. Last evaluated: 2017-06-20. Review status: criteria provided, single submitter. Criteria: GeneDx Variant Classification (06012015). Collection method: clinical testing. Allele origin: germline. Affected: yes.
Comment: This variant is considered likely benign or benign based on one or more of the following criteria: it is a conservative change, it occurs at a poorly conserved position in the protein, it is predicted to be benign by multiple in silico algorithms, and/or has population frequency not consistent with disease.

PreventionGenetics, part of Exact Sciences
Classification: Likely benign. Review status: criteria provided, single submitter. Criteria: ACMG Guidelines, 2015. Collection method: clinical testing. Allele origin: germline.

Clinical Genetics DNA and cytogenetics Diagnostics Lab, Erasmus MC, Erasmus Medical Center
Classification: Likely benign. Review status: no assertion criteria provided. Collection method: clinical testing. Allele origin: germline. Affected: yes. Study: VKGL Data-share Consensus. Not counted in ClinVar's aggregate classification.

Genome Diagnostics Laboratory, University Medical Center Utrecht
Classification: Likely benign. Review status: no assertion criteria provided. Collection method: clinical testing. Allele origin: germline. Affected: yes. Study: VKGL Data-share Consensus. Not counted in ClinVar's aggregate classification.